The following is an entry in ClinVar:

ClinVar aggregate classification (germline): Pathogenic (1 of 4 stars; one submission).

Submission:

Labcorp Genetics (formerly Invitae), Labcorp
Classification: Pathogenic. Last evaluated: 2019-07-11. Review status: criteria provided, single submitter. Criteria: Invitae Variant Classification Sherloc (09022015). Collection method: clinical testing. Allele origin: germline.
Comment: This sequence change creates a premature translational stop signal (p.Tyr40Thrfs*6) in the RP2 gene. It is expected to result in an absent or disrupted protein product. This variant is not present in population databases (ExAC no frequency). This variant has not been reported in the literature in individuals with RP2-related conditions. Loss-of-function variants in RP2 are known to be pathogenic (PMID: 11992260, 20625056). For these reasons, this variant has been classified as Pathogenic.

Literature cited by the submitters: PubMed 11992260; PubMed 20625056.

NM_006915.3(RP2):c.118del (p.Tyr40fs)

Gene: RP2 (RP2 activator of ARL3 GTPase; plus strand). Cytogenetic location: Xp11.3.
Variant type: Deletion.
Coding change: c.118del on transcript NM_006915.3 (MANE Select); coding-DNA position 118, one base deleted (T; older notation c.118delT).
Protein change: p.Tyr40fs; shifts the reading frame from tyrosine 40.
Molecular consequence: frameshift variant.
Genome position (GRCh38, 1-based): chrX:46,853,491, T deleted. VCF-style (leftmost placement, unchanged base first): chrX-46853490-CT-C. GRCh37 (hg19) VCF-style: chrX-46712925-CT-C.
Other names: short protein forms Y40fs.
Identifiers: ClinVar variation 949713 (VCV000949713.7), dbSNP rs1924894762, ClinGen allele CA1139667494.
Genomic context (GRCh38, chrX:46,853,490, plus strand): 5'-TTGAATAATGTTAATAATACTCAAGGTCTGTGTTTTGTTCCTGCAGGTTGATCCAAAAGA[CT>C]ACATGTTCAGTGGACTGAAGGATGAAACAGTAGGTCGCTTACCTGGGACGGTAGCAGGAC-3'